The following is an entry in ClinVar:

ClinVar aggregate classification (germline): Uncertain significance. Review status: criteria provided, multiple submitters, no conflicts (2 of 4 stars). 2 submissions from 2 submitters: Uncertain significance (2). Last evaluated 2024-02-14.

Conditions:
Lynch syndrome 5 (LYNCH5). Also called: Hereditary non-polyposis colorectal cancer, type 5; Colorectal cancer, hereditary nonpolyposis, type 5. Identifiers: Orphanet 144, MedGen C1833477, MONDO:0013710, OMIM 614350. Disease mechanism: loss of function.
Hereditary nonpolyposis colorectal neoplasms. Identifiers: MedGen C0009405, MeSH D003123.

Submissions (2):

Labcorp Genetics (formerly Invitae), Labcorp
Classification: Uncertain significance for Hereditary nonpolyposis colorectal neoplasms. Last evaluated: 2024-02-14. Review status: criteria provided, single submitter. Criteria: Invitae Variant Classification Sherloc (09022015). Collection method: clinical testing. Allele origin: germline.
Comment: This sequence change replaces glutamic acid, which is acidic and polar, with glycine, which is neutral and non-polar, at codon 368 of the MSH6 protein (p.Glu368Gly). This variant is not present in population databases (gnomAD no frequency). This variant has not been reported in the literature in individuals affected with MSH6-related conditions. ClinVar contains an entry for this variant (Variation ID: 652147). Advanced modeling of protein sequence and biophysical properties (such as structural, functional, and spatial information, amino acid conservation, physicochemical variation, residue mobility, and thermodynamic stability) performed at Invitae indicates that this missense variant is not expected to disrupt MSH6 protein function with a negative predictive value of 95%. In summary, the available evidence is currently insufficient to determine the role of this variant in disease. Therefore, it has been classified as a Variant of Uncertain Significance.

MGZ Medical Genetics Center
Classification: Uncertain significance for Lynch syndrome 5. Last evaluated: 2022-04-14. Review status: criteria provided, single submitter. Criteria: ACMG Guidelines, 2015. Collection method: clinical testing. Allele origin: germline. Affected: yes. Observed: 1 variant allele.
Comment: ACMG criteria applied: PM2_SUP, PP3

NM_000179.3(MSH6):c.1103A>G (p.Glu368Gly)

Gene: MSH6 (mutS homolog 6; plus strand). Cytogenetic location: 2p16.3.
Variant type: single nucleotide variant.
Coding change: c.1103A>G on transcript NM_000179.3 (MANE Select); coding-DNA position 1103, A replaced by G.
Protein change: p.Glu368Gly; replaces glutamic acid 368 with glycine.
Molecular consequence: missense variant.
Genome position (GRCh38, 1-based): chr2:47,799,086, A>G. VCF-style: chr2-47799086-A-G. GRCh37 (hg19) VCF-style: chr2-48026225-A-G.
Other names: c.713A>G, p.Glu238Gly (NM_001281492.2); c.197A>G, p.Glu66Gly (NM_001281493.2, NM_001281494.2); short protein forms E238G, E368G, E66G.
Identifiers: ClinVar variation 652147 (VCV000652147.11), dbSNP rs1572721697, ClinGen allele CA346741925.